The following is an entry in ClinVar:

NM_003289.4(TPM2):c.136C>A (p.Leu46Ile)

Gene: TPM2 (tropomyosin 2; minus strand). Cytogenetic location: 9p13.3.
Variant type: single nucleotide variant.
Coding change: c.136C>A on transcript NM_003289.4 (MANE Select); coding-DNA position 136, C replaced by A.
Protein change: p.Leu46Ile; replaces leucine 46 with isoleucine.
Molecular consequence: missense variant.
Genome position (GRCh38, 1-based): chr9:35,689,250, G>T on the plus strand (C>A on the coding strand, the complement: TPM2 is on the minus strand). VCF-style: chr9-35689250-G-T. GRCh37 (hg19) VCF-style: chr9-35689247-G-T.
Other names: c.136C>A, p.Leu46Ile (NM_001301226.2, NM_001301227.2, NM_213674.1); short protein forms L46I.
Identifiers: ClinVar variation 4740641 (VCV004740641.1).

ClinVar aggregate classification (germline): Uncertain significance (1 of 4 stars; one submission).

Conditions:
Arthrogryposis, distal, type 1A. Also called: ARTHROGRYPOSIS MULTIPLEX CONGENITA, DISTAL, TYPE I. Identifiers: Orphanet 1146, MedGen C6022280, MONDO:0007157, OMIM 108120.

Submission:

Labcorp Genetics (formerly Invitae), Labcorp
Classification: Uncertain significance for Arthrogryposis, distal, type 1A. Last evaluated: 2026-01-04. Review status: criteria provided, single submitter. Criteria: Invitae Variant Classification Sherloc (09022015). Collection method: clinical testing. Allele origin: germline.
Comment: This sequence change replaces leucine, which is neutral and non-polar, with isoleucine, which is neutral and non-polar, at codon 46 of the TPM2 protein (p.Leu46Ile). This variant is not present in population databases (gnomAD no frequency). This variant has not been reported in the literature in individuals affected with TPM2-related conditions. Invitae Evidence Modeling of protein sequence and biophysical properties (such as structural, functional, and spatial information, amino acid conservation, physicochemical variation, residue mobility, and thermodynamic stability) indicates that this missense variant is not expected to disrupt TPM2 protein function with a negative predictive value of 80%. In summary, the available evidence is currently insufficient to determine the role of this variant in disease. Therefore, it has been classified as a Variant of Uncertain Significance.